The following is an entry in ClinVar:

ClinVar aggregate classification (germline): Uncertain significance (1 of 4 stars; one submission).

Submission:

GeneDx
Classification: Uncertain significance. Last evaluated: 2022-01-06. Review status: criteria provided, single submitter. Criteria: GeneDx Variant Classification Process June 2021. Collection method: clinical testing. Allele origin: germline. Affected: yes.
Comment: Not observed at significant frequency in large population cohorts (gnomAD); In silico analysis supports that this missense variant does not alter protein structure/function; Has not been previously published as pathogenic or benign to our knowledge

NM_033380.3(COL4A5):c.4393G>A (p.Ala1465Thr)

Gene: COL4A5 (collagen type IV alpha 5 chain; plus strand). Cytogenetic location: Xq22.3.
Variant type: single nucleotide variant.
Coding change: c.4393G>A on transcript NM_033380.3 (MANE Select); coding-DNA position 4393, G replaced by A.
Protein change: p.Ala1465Thr; replaces alanine 1465 with threonine.
Molecular consequence: missense variant.
Genome position (GRCh38, 1-based): chrX:108,687,559, G>A. VCF-style: chrX-108687559-G-A. GRCh37 (hg19) VCF-style: chrX-107930789-G-A.
Other names: c.4375G>A, p.Ala1459Thr (NM_000495.5); short protein forms A1459T, A1465T.
Identifiers: ClinVar variation 1695617 (VCV001695617.2), dbSNP rs2147991378, ClinGen allele CA413854171.